The following is an entry in ClinVar:

ClinVar aggregate classification (germline): Uncertain significance (1 of 4 stars; one submission).

Conditions:
Spastic paraplegia. Identifiers: MedGen C0037772, HP:0001258.

Allele frequency attached by ClinVar (database versions not stated): ExAC 0.00001; gnomAD exomes 0.00001; TOPMed 0.00001.

Submission:

Labcorp Genetics (formerly Invitae), Labcorp
Classification: Uncertain significance for Spastic paraplegia. Last evaluated: 2021-05-29. Review status: criteria provided, single submitter. Criteria: Invitae Variant Classification Sherloc (09022015). Collection method: clinical testing. Allele origin: germline.
Comment: This variant has not been reported in the literature in individuals with B4GALNT1-related conditions. Nucleotide substitutions within the consensus splice site are a relatively common cause of aberrant splicing (PMID: 17576681, 9536098). Algorithms developed to predict the effect of sequence changes on RNA splicing suggest that this variant is not likely to affect RNA splicing, but this prediction has not been confirmed by published transcriptional studies. In summary, the available evidence is currently insufficient to determine the role of this variant in disease. Therefore, it has been classified as a Variant of Uncertain Significance. This variant is present in population databases (rs750503233, ExAC 0.009%). This sequence change falls in intron 8 of the B4GALNT1 gene. It does not directly change the encoded amino acid sequence of the B4GALNT1 protein. It affects a nucleotide within the consensus splice site of the intron.

Literature cited by the submitters: PubMed 17576681; PubMed 9536098.

NM_001478.5(B4GALNT1):c.1002+4T>C

Gene: B4GALNT1 (beta-1,4-N-acetyl-galactosaminyltransferase 1; minus strand). Cytogenetic location: 12q13.3.
Variant type: single nucleotide variant.
Coding change: c.1002+4T>C on transcript NM_001478.5 (MANE Select); 4 bases into the intron after coding-DNA position 1002, T replaced by C.
Molecular consequence: intron variant.
Genome position (GRCh38, 1-based): chr12:57,628,709, A>G on the plus strand (T>C on the coding strand, the complement: B4GALNT1 is on the minus strand). VCF-style: chr12-57628709-A-G. GRCh37 (hg19) VCF-style: chr12-58022492-A-G.
Other names: c.837+4T>C (NM_001276468.2).
Identifiers: ClinVar variation 1475263 (VCV001475263.5), dbSNP rs750503233, ClinGen allele CA6655577.
Genomic context (GRCh38, chr12:57,628,709, plus strand): 5'-CAGATTGAGGGCACACCCCCTGCGGGAGTCCTCTGGCCTGCCGTTCAGCCTGCTAGCTGC[A>G]CACCTTGCCGAAGGGCATGAGATAGTGTTCCACGTAGGGGCCACTAACGCGCTCTGGCTT-3'